The following is an entry in ClinVar:

NM_003242.6(TGFBR2):c.1660G>A (p.Glu554Lys)

Gene: TGFBR2 (transforming growth factor beta receptor 2; plus strand). Cytogenetic location: 3p24.1.
Variant type: single nucleotide variant.
Coding change: c.1660G>A on transcript NM_003242.6 (MANE Select); coding-DNA position 1660, G replaced by A.
Protein change: p.Glu554Lys; replaces glutamic acid 554 with lysine.
Molecular consequence: missense variant.
Genome position (GRCh38, 1-based): chr3:30,691,555, G>A. VCF-style: chr3-30691555-G-A. GRCh37 (hg19) VCF-style: chr3-30733047-G-A.
Other names: c.1735G>A, p.Glu579Lys (NM_001024847.3); c.1843G>A, p.Glu615Lys (NM_001407126.1); c.1768G>A, p.Glu590Lys (NM_001407127.1); c.1687G>A, p.Glu563Lys (NM_001407128.1); c.1663G>A, p.Glu555Lys (NM_001407129.1); c.1657G>A, p.Glu553Lys (NM_001407130.1); c.1555G>A, p.Glu519Lys (NM_001407132.1, NM_001407133.1, NM_001407134.1 and 2 more transcripts); c.1375G>A, p.Glu459Lys (NM_001407137.1); and 2 more; short protein forms E554K, E579K, E519K, E615K, E264K, E459K, E553K, E563K.
Identifiers: ClinVar variation 1432114 (VCV001432114.9), dbSNP rs1575166745, ClinGen allele CA351809770.

ClinVar aggregate classification (germline): Uncertain significance. Review status: criteria provided, multiple submitters, no conflicts (2 of 4 stars). 2 submissions from 2 submitters: Uncertain significance (2). Last evaluated 2025-07-15.

Conditions:
Familial thoracic aortic aneurysm and aortic dissection (TAAD). Also called: Thoracic aortic aneurysms and dissections. Identifiers: Orphanet 91387, MedGen C4707243, MONDO:0019625.

Submissions (2):

Color Diagnostics, LLC DBA Color Health
Classification: Uncertain significance for Familial thoracic aortic aneurysm and aortic dissection. Last evaluated: 2025-07-15. Review status: criteria provided, single submitter. Criteria: ACMG Guidelines, 2015. Collection method: clinical testing. Allele origin: germline.
Comment: This missense variant replaces glutamic acid with lysine at codon 554 of the TGFBR2 protein. Computational prediction suggests that this variant may not impact protein structure and function. To our knowledge, functional studies have not been reported for this variant. This variant has not been reported in individuals affected with TGFBR2-related disorders in the literature. This variant has not been identified in the general population by the Genome Aggregation Database (gnomAD). The available evidence is insufficient to determine the role of this variant in disease conclusively. Therefore, this variant is classified as a Variant of Uncertain Significance.

Labcorp Genetics (formerly Invitae), Labcorp
Classification: Uncertain significance for Familial thoracic aortic aneurysm and aortic dissection. Last evaluated: 2024-10-17. Review status: criteria provided, single submitter. Criteria: Invitae Variant Classification Sherloc (09022015). Collection method: clinical testing. Allele origin: germline.
Comment: This sequence change replaces glutamic acid, which is acidic and polar, with lysine, which is basic and polar, at codon 554 of the TGFBR2 protein (p.Glu554Lys). This variant is not present in population databases (gnomAD no frequency). This variant has not been reported in the literature in individuals affected with TGFBR2-related conditions. ClinVar contains an entry for this variant (Variation ID: 1432114). Invitae Evidence Modeling of protein sequence and biophysical properties (such as structural, functional, and spatial information, amino acid conservation, physicochemical variation, residue mobility, and thermodynamic stability) has been performed for this missense variant. However, the output from this modeling did not meet the statistical confidence thresholds required to predict the impact of this variant on TGFBR2 protein function. In summary, the available evidence is currently insufficient to determine the role of this variant in disease. Therefore, it has been classified as a Variant of Uncertain Significance.